The following is an entry in ClinVar:

NM_014141.6(CNTNAP2):c.755-3C>T

Gene: CNTNAP2 (contactin associated protein 2; plus strand). Cytogenetic location: 7q35.
Variant type: single nucleotide variant.
Coding change: c.755-3C>T on transcript NM_014141.6 (MANE Select); 3 bases into the intron before coding-DNA position 755, C replaced by T.
Molecular consequence: intron variant.
Genome position (GRCh38, 1-based): chr7:147,120,976, C>T. VCF-style: chr7-147120976-C-T. GRCh37 (hg19) VCF-style: chr7-146818068-C-T.
Identifiers: ClinVar variation 468437 (VCV000468437.9), dbSNP rs780336361, ClinGen allele CA4545893.

ClinVar aggregate classification (germline): Uncertain significance. Review status: criteria provided, multiple submitters, no conflicts (2 of 4 stars). 2 submissions from 2 submitters: Uncertain significance (2). Last evaluated 2023-08-04.

Conditions:
Cortical dysplasia-focal epilepsy syndrome (PTHSL1). Also called: Pitt-Hopkins-like syndrome 1. Identifiers: Orphanet 163681, Orphanet 221150, MedGen C2750246, MONDO:0012400, OMIM 610042.

Allele frequency attached by ClinVar (database versions not stated): gnomAD 0.00001; gnomAD exomes 0.00001 and 0.00004; ExAC 0.00002; TOPMed 0.00002.
gnomAD v4.1: 11 of 1,613,200 alleles (0.00068%); highest among the groups gnomAD compares: East Asian, 0.02%; no homozygotes.

Submissions (2):

Labcorp Genetics (formerly Invitae), Labcorp
Classification: Uncertain significance for Cortical dysplasia-focal epilepsy syndrome. Last evaluated: 2023-08-04. Review status: criteria provided, single submitter. Criteria: Invitae Variant Classification Sherloc (09022015). Collection method: clinical testing. Allele origin: germline.
Comment: In summary, the available evidence is currently insufficient to determine the role of this variant in disease. Therefore, it has been classified as a Variant of Uncertain Significance. Variants that disrupt the consensus splice site are a relatively common cause of aberrant splicing (PMID: 17576681, 9536098). Algorithms developed to predict the effect of sequence changes on RNA splicing suggest that this variant is not likely to affect RNA splicing. ClinVar contains an entry for this variant (Variation ID: 468437). This variant has not been reported in the literature in individuals affected with CNTNAP2-related conditions. This variant is present in population databases (rs780336361, gnomAD 0.06%). This sequence change falls in intron 5 of the CNTNAP2 gene. It does not directly change the encoded amino acid sequence of the CNTNAP2 protein. It affects a nucleotide within the consensus splice site.

Revvity Omics, Revvity
Classification: Uncertain significance for Cortical dysplasia-focal epilepsy syndrome. Last evaluated: 2020-03-04. Review status: criteria provided, single submitter. Criteria: ACMG Guidelines, 2015. Collection method: clinical testing. Allele origin: germline.

Literature cited by the submitters: PubMed 17576681 (cited by Labcorp Genetics (formerly Invitae), Labcorp); PubMed 9536098 (cited by Labcorp Genetics (formerly Invitae), Labcorp).